The following is an entry in ClinVar:

ClinVar aggregate classification (germline): Conflicting classifications of pathogenicity. Review status: criteria provided, conflicting classifications (1 of 4 stars). 2 submissions from 2 submitters: Uncertain significance (1); Likely benign (1). Last evaluated 2025-05-31.

Conditions:
Inborn genetic diseases. Identifiers: MedGen C0950123, MeSH D030342.

Allele frequency attached by ClinVar (database versions not stated): gnomAD 0.00001; gnomAD exomes 0.00002; ExAC 0.00005; TOPMed below 0.00001.
gnomAD v4.1: 12 of 1,613,754 alleles (0.00074%); highest among the groups gnomAD compares: South Asian, 0.0099%; no homozygotes.

Submissions (2):

Labcorp Genetics (formerly Invitae), Labcorp
Classification: Uncertain significance. Last evaluated: 2025-05-31. Review status: criteria provided, single submitter. Criteria: Invitae Variant Classification Sherloc (09022015). Collection method: clinical testing. Allele origin: germline.
Comment: This sequence change replaces proline, which is neutral and non-polar, with leucine, which is neutral and non-polar, at codon 971 of the ASXL2 protein (p.Pro971Leu). This variant is present in population databases (rs766996744, gnomAD 0.03%). This variant has not been reported in the literature in individuals affected with ASXL2-related conditions. ClinVar contains an entry for this variant (Variation ID: 2547825). Invitae Evidence Modeling of protein sequence and biophysical properties (such as structural, functional, and spatial information, amino acid conservation, physicochemical variation, residue mobility, and thermodynamic stability) indicates that this missense variant is not expected to disrupt ASXL2 protein function with a negative predictive value of 80%. In summary, the available evidence is currently insufficient to determine the role of this variant in disease. Therefore, it has been classified as a Variant of Uncertain Significance.

Ambry Genetics
Classification: Likely benign for Inborn genetic diseases. Last evaluated: 2023-05-17. Review status: criteria provided, single submitter. Criteria: Ambry Variant Classification Scheme 2023. Collection method: clinical testing. Allele origin: germline.

NM_018263.6(ASXL2):c.2912C>T (p.Pro971Leu)

Gene: ASXL2 (ASXL transcriptional regulator 2; minus strand). Cytogenetic location: 2p23.3.
Variant type: single nucleotide variant.
Coding change: c.2912C>T on transcript NM_018263.6 (MANE Select); coding-DNA position 2912, C replaced by T.
Protein change: p.Pro971Leu; replaces proline 971 with leucine.
Molecular consequence: missense variant.
Genome position (GRCh38, 1-based): chr2:25,743,425, G>A on the plus strand (C>T on the coding strand, the complement: ASXL2 is on the minus strand). VCF-style: chr2-25743425-G-A. GRCh37 (hg19) VCF-style: chr2-25966294-G-A.
Other names: c.2738C>T, p.Pro913Leu (NM_001369346.1); c.2132C>T, p.Pro711Leu (NM_001369347.1); short protein forms P913L, P711L, P971L.
Identifiers: ClinVar variation 2547825 (VCV002547825.3), dbSNP rs766996744, ClinGen allele CA1557568.
Genomic context (GRCh38, chr2:25,743,425, plus strand): 5'-CCCATCCCCCTTTCCTCTTTTGCAGTCAGTGGAACCGTTTTCATTTCAACTTTGGTGAGA[G>A]GTTTAGGCAGAATTTGCTCCATGGGAACATCTTTGCCTTGAAGCAGCTGAGTCACTAAAG-3'
Protein context (NP_060733.4, residues 961-981): DVPMEQILPK[Pro971Leu]LTKVEMKTVP